The following is an entry in ClinVar:

ClinVar aggregate classification (germline): Pathogenic (1 of 4 stars; one submission).

Submission:

Labcorp Genetics (formerly Invitae), Labcorp
Classification: Pathogenic. Last evaluated: 2022-06-01. Review status: criteria provided, single submitter. Criteria: Invitae Variant Classification Sherloc (09022015). Collection method: clinical testing. Allele origin: germline.
Comment: For these reasons, this variant has been classified as Pathogenic. This variant has not been reported in the literature in individuals affected with MSH3-related conditions. This variant is not present in population databases (gnomAD no frequency). This sequence change creates a premature translational stop signal (p.Cys370Valfs*4) in the MSH3 gene. It is expected to result in an absent or disrupted protein product. Loss-of-function variants in MSH3 are known to be pathogenic (PMID: 27476653).

Literature cited by the submitters: PubMed 27476653.

NM_002439.5(MSH3):c.1106dup (p.Cys370fs)

Gene: MSH3 (mutS homolog 3; plus strand). Cytogenetic location: 5q14.1.
Variant type: Duplication.
Coding change: c.1106dup on transcript NM_002439.5 (MANE Select); coding-DNA position 1106, one base duplicated (T; older notation c.1106dupT).
Protein change: p.Cys370fs; shifts the reading frame from cysteine 370.
Molecular consequence: frameshift variant.
Genome position (GRCh38, 1-based): chr5:80,675,061, T duplicated. VCF-style (leftmost placement, unchanged base first): chr5-80675060-C-CT. GRCh37 (hg19) VCF-style: chr5-79970879-C-CT.
Other names: short protein forms C370fs.
Identifiers: ClinVar variation 2001591 (VCV002001591.4), dbSNP rs2546724304, ClinGen allele CA2580073623.